The following is an entry in ClinVar:

NM_004725.4(BUB3):c.575A>G (p.Gln192Arg)

Gene: BUB3 (BUB3 mitotic checkpoint protein; plus strand). Cytogenetic location: 10q26.13.
Variant type: single nucleotide variant.
Coding change: c.575A>G on transcript NM_004725.4 (MANE Select); coding-DNA position 575, A replaced by G.
Protein change: p.Gln192Arg; replaces glutamine 192 with arginine.
Molecular consequence: missense variant.
Genome position (GRCh38, 1-based): chr10:123,160,564, A>G. VCF-style: chr10-123160564-A-G. GRCh37 (hg19) VCF-style: chr10-124920080-A-G.
Other names: c.575A>G, p.Gln192Arg (NM_001007793.3); short protein forms Q192R.
Identifiers: ClinVar variation 3483274 (VCV003483274.1).

ClinVar aggregate classification (germline): Uncertain significance (1 of 4 stars; one submission).

Submission:

Ambry Genetics
Classification: Uncertain significance. Last evaluated: 2024-07-15. Review status: criteria provided, single submitter. Criteria: Ambry Variant Classification Scheme 2023. Collection method: clinical testing. Allele origin: germline.
Comment: The p.Q192R variant (also known as c.575A>G), located in coding exon 4 of the BUB3 gene, results from an A to G substitution at nucleotide position 575. The glutamine at codon 192 is replaced by arginine, an amino acid with highly similar properties. This amino acid position is conserved. In addition, this alteration is predicted to be deleterious by in silico analysis. Based on the available evidence, the clinical significance of this variant remains unclear.